The following is an entry in ClinVar:

ClinVar aggregate classification (germline): Uncertain significance. Review status: criteria provided, multiple submitters, no conflicts (2 of 4 stars). 2 submissions from 2 submitters: Uncertain significance (2). Last evaluated 2025-08-19.

Conditions:
Hereditary cancer-predisposing syndrome. Also called: Neoplastic Syndromes, Hereditary; Tumor predisposition; Hereditary Cancer Syndrome; Hereditary neoplastic syndrome. Identifiers: Orphanet 140162, MedGen C0027672, MeSH D009386, MONDO:0015356.
Multiple endocrine neoplasia, type 2 (MEN2). Identifiers: Orphanet 653, MedGen C4048306, MONDO:0019003. Disease mechanism: gain of function.

Allele frequency attached by ClinVar (database versions not stated): gnomAD exomes below 0.00001; gnomAD 0.00001.
gnomAD v4.1: 3 of 1,608,208 alleles (0.00019%); highest among the groups gnomAD compares: Non-Finnish European, 0.00025%; no homozygotes.

Submissions (2):

Ambry Genetics
Classification: Uncertain significance for Hereditary cancer-predisposing syndrome. Last evaluated: 2025-08-19. Review status: criteria provided, single submitter. Criteria: Ambry Variant Classification Scheme 2023. Collection method: clinical testing. Allele origin: germline.
Comment: The p.I590V variant (also known as c.1768A>G), located in coding exon 10 of the RET gene, results from an A to G substitution at nucleotide position 1768. The isoleucine at codon 590 is replaced by valine, an amino acid with highly similar properties. This amino acid position is well conserved in available vertebrate species. In addition, the in silico prediction for this alteration is inconclusive. Since supporting evidence is limited at this time, the clinical significance of this alteration remains unclear.

Labcorp Genetics (formerly Invitae), Labcorp
Classification: Uncertain significance for Multiple endocrine neoplasia, type 2. Last evaluated: 2022-04-21. Review status: criteria provided, single submitter. Criteria: Invitae Variant Classification Sherloc (09022015). Collection method: clinical testing. Allele origin: germline.
Comment: This sequence change replaces isoleucine, which is neutral and non-polar, with valine, which is neutral and non-polar, at codon 590 of the RET protein (p.Ile590Val). This variant is not present in population databases (gnomAD no frequency). This variant has not been reported in the literature in individuals affected with RET-related conditions. ClinVar contains an entry for this variant (Variation ID: 820042). Algorithms developed to predict the effect of missense changes on protein structure and function (SIFT, PolyPhen-2, Align-GVGD) all suggest that this variant is likely to be tolerated. In summary, the available evidence is currently insufficient to determine the role of this variant in disease. Therefore, it has been classified as a Variant of Uncertain Significance.

NM_020975.6(RET):c.1768A>G (p.Ile590Val)

Gene: RET (ret proto-oncogene; plus strand). Cytogenetic location: 10q11.21.
Variant type: single nucleotide variant.
Coding change: c.1768A>G on transcript NM_020975.6 (MANE Select); coding-DNA position 1768, A replaced by G.
Protein change: p.Ile590Val; replaces isoleucine 590 with valine.
Molecular consequence: missense variant.
Genome position (GRCh38, 1-based): chr10:43,113,564, A>G. VCF-style: chr10-43113564-A-G. GRCh37 (hg19) VCF-style: chr10-43609012-A-G.
Other names: c.871A>G, p.Ile291Val (NM_001406781.1, NM_001406782.1, NM_001406787.1 and 2 more transcripts); c.742A>G, p.Ile248Val (NM_001406783.1, NM_001406786.1); c.778A>G, p.Ile260Val (NM_001406784.1); c.583A>G, p.Ile195Val (NM_001406789.1, NM_001406788.1, NM_001406790.1); c.1768A>G, p.Ile590Val (NM_000323.2, NM_001406743.1, NM_001406744.1 and 6 more transcripts); c.1006A>G, p.Ile336Val (NM_001355216.2); c.1639A>G, p.Ile547Val (NM_001406761.1, NM_001406762.1, NM_001406764.1 and 1 more transcripts); c.1480A>G, p.Ile494Val (NM_001406766.1, NM_001406767.1, NM_001406770.1); and 5 more; short protein forms I336V, I590V, I248V, I291V, I458V, I494V, I107V, I260V.
Identifiers: ClinVar variation 820042 (VCV000820042.13), dbSNP rs1307072968, ClinGen allele CA376552437.
Genomic context (GRCh38, chr10:43,113,564, plus strand): 5'-CCTGGGGTGGTCAGGCGCCCCAGGAGGCTGAGTGGGCTACGTCTGCCCTCAGGGGGCAGC[A>G]TTGTTGGGGGACACGAGCCTGGGGAGCCCCGGGGGATTAAAGCTGGCTATGGCACCTGCA-3'
Protein context (NP_066124.1, residues 580-600): ICPQDCLRGS[Ile590Val]VGGHEPGEPR